The following is an entry in ClinVar:

NM_001367721.1(CASK):c.430-31TGTT[2]

Gene: CASK (calcium/calmodulin dependent serine protein kinase; minus strand). Cytogenetic location: Xp11.4.
Variant type: Microsatellite.
Coding change: c.430-31TGTT[2] on transcript NM_001367721.1 (MANE Select); two copies in a row of the 4-base unit TGTT starting at c.430-31; the reference has three copies in a row; one copy, 4 bases deleted.
Molecular consequence: intron variant.
Genome position (GRCh38, 1-based): chrX:41,671,550-41,671,553, AACA deleted on the plus strand (TGTT on the coding strand, the reverse complement: CASK is on the minus strand); deleting any 4 consecutive bases within chrX:41,671,550-41,671,563 gives the same sequence; the position shown is the placement nearest the transcript's 3' end. VCF-style (leftmost placement, unchanged base first): chrX-41671549-GAACA-G. GRCh37 (hg19) VCF-style: chrX-41530802-GAACA-G.
Other names: c.430-23_430-20delTGTT (NM_003688.3); c.430-31TGTT[2] (NM_001126055.3, NM_001410745.1, NM_001126054.3 and 1 more transcripts).
Identifiers: ClinVar variation 419815 (VCV000419815.9), dbSNP rs200962618, ClinGen allele CA10390375.
Genomic context (GRCh38, chrX:41,671,549, plus strand): 5'-AGGTGCCGAGTTTTCTTTTGAGGCAAGGAGAACACAGTGGGGCTGAAAAGAAAAACAGAC[GAACA>G]AACAAACAAAAAACAAACCCGAAGATAAGGATTCATTGAAGATGAACAATGCAGTTTACA-3'

ClinVar aggregate classification (germline): Benign. Review status: criteria provided, multiple submitters, no conflicts (2 of 4 stars). 2 submissions from 2 submitters: Benign (2). Last evaluated 2026-02-02.

Conditions:
Intellectual disability, CASK-related, X-linked. Identifiers: MedGen CN043158.

Submissions (2):

Labcorp Genetics (formerly Invitae), Labcorp
Classification: Benign for Intellectual disability, CASK-related, X-linked. Last evaluated: 2026-02-02. Review status: criteria provided, single submitter. Criteria: Invitae Variant Classification Sherloc (09022015). Collection method: clinical testing. Allele origin: germline.

GeneDx
Classification: Benign. Last evaluated: 2016-05-20. Review status: criteria provided, single submitter. Criteria: GeneDx Variant Classification (06012015). Collection method: clinical testing. Allele origin: germline. Affected: yes.
Comment: This variant is considered likely benign or benign based on one or more of the following criteria: it is a conservative change, it occurs at a poorly conserved position in the protein, it is predicted to be benign by multiple in silico algorithms, and/or has population frequency not consistent with disease.